The following is an entry in ClinVar:

ClinVar aggregate classification (germline): Uncertain significance (1 of 4 stars; one submission).

Conditions:
Cardiovascular phenotype. Identifiers: MedGen CN230736.

Allele frequency attached by ClinVar (database versions not stated): gnomAD 0.00001.
gnomAD v4.1: 1 of 1,614,040 alleles (0.000062%); highest among the groups gnomAD compares: African/African-American, 0.0013%; no homozygotes.

Submission:

Ambry Genetics
Classification: Uncertain significance for Cardiovascular phenotype. Last evaluated: 2016-07-15. Review status: criteria provided, single submitter. Criteria: Ambry Variant Classification Scheme 2023. Collection method: clinical testing. Allele origin: germline.
Comment: The p.A244V variant (also known as c.731C>T), located in coding exon 5 of the TTN gene, results from a C to T substitution at nucleotide position 731. The alanine at codon 244 is replaced by valine, an amino acid with similar properties, and is located in the Z-disk region of the N2-B isoform of the titin protein. This variant was not reported in population based cohorts in the following databases: Database of Single Nucleotide Polymorphisms (dbSNP), NHLBI Exome Sequencing Project (ESP), and 1000 Genomes Project. In the ESP, this variant was not observed in 6503 samples (13006 alleles) with coverage at this position. This amino acid position is not well conserved in available vertebrate species, and valine is the reference amino acid in other vertebrate species. In addition, this alteration is predicted to be tolerated by in silico analysis. Since supporting evidence is limited at this time, the clinical significance of this alteration remains unclear.

NM_001267550.2(TTN):c.731C>T (p.Ala244Val)

Gene: TTN (titin; minus strand). Cytogenetic location: 2q31.2.
Variant type: single nucleotide variant.
Coding change: c.731C>T on transcript NM_001267550.2 (MANE Select); coding-DNA position 731, C replaced by T.
Protein change: p.Ala244Val; replaces alanine 244 with valine.
Molecular consequence: missense variant.
Genome position (GRCh38, 1-based): chr2:178,799,670, G>A on the plus strand (C>T on the coding strand, the complement: TTN is on the minus strand). VCF-style: chr2-178799670-G-A. GRCh37 (hg19) VCF-style: chr2-179664397-G-A.
Other names: c.731C>T, p.Ala244Val (NM_003319.4, NM_001256850.1, NM_133378.4 and 3 more transcripts); short protein forms A244V.
Identifiers: ClinVar variation 518929 (VCV000518929.5), dbSNP rs1337958814, ClinGen allele CA349523849.